The following is an entry in ClinVar:

NM_000520.6(HEXA):c.1074-7_1074-3del

Gene: HEXA (hexosaminidase subunit alpha; minus strand). Cytogenetic location: 15q23.
Variant type: Microsatellite.
Coding change: c.1074-7_1074-3del on transcript NM_000520.6 (MANE Select); 7 bases into the intron before coding-DNA position 1074 through 3 bases into the intron before coding-DNA position 1074, 5 bases deleted (TCTCC; older notation c.1074-7_1074-3delTCTCC).
Molecular consequence: intron variant.
Genome position (GRCh38, 1-based): chr15:72,347,761-72,347,765, GGAGA deleted on the plus strand (TCTCC on the coding strand, the reverse complement: HEXA is on the minus strand); deleting any 5 consecutive bases within chr15:72,347,761-72,347,774 gives the same sequence; the c. name uses the placement nearest the transcript's 3' end. VCF-style (leftmost placement, unchanged base first): chr15-72347760-TGGAGA-T. GRCh37 (hg19) VCF-style: chr15-72640101-TGGAGA-T.
Other names: c.1107-7_1107-3del (NM_001318825.2); c.1074-7_1074-3delTCTCC (NM_000520.6).
Identifiers: ClinVar variation 554039 (VCV000554039.180), dbSNP rs759219683, ClinGen allele CA7644812.

ClinVar aggregate classification (germline): Likely pathogenic. Review status: criteria provided, multiple submitters, no conflicts (2 of 4 stars). 5 submissions from 5 submitters: Likely pathogenic (3). 2 of the submissions do not count toward it. Last evaluated 2025-07-09.

Conditions:
Tay-Sachs disease (TSD). Also called: GM2 gangliosidosis, type 1; Hexosaminidase alpha-subunit deficiency (variant B); Sphingolipidosis, Tay-Sachs; Hexosaminidase A Deficiency; HEXA Disorders; HEXA DEFICIENCY. Identifiers: Orphanet 845, MedGen C0039373, MONDO:0010100, OMIM 272800.

Submissions (5):

Women's Health and Genetics/Laboratory Corporation of America, LabCorp
Classification: Likely pathogenic for Tay-Sachs disease. Last evaluated: 2025-07-09. Review status: criteria provided, single submitter. Criteria: LabCorp Variant Classification Summary - May 2015. Collection method: clinical testing. Allele origin: germline.
Comment: Variant summary: HEXA c.1074-7_1074-3delTCTCC alters a conserved nucleotide located close to a canonical splice site and therefore could affect mRNA splicing, leading to a significantly altered protein sequence. Several computational tools predict a significant impact on normal splicing: Two predict the variant weakens a 3' acceptor site. One predicts the variant abolishes a 3' acceptor site. At least one publication reports experimental evidence that this variant affects mRNA splicing due to skipping of exon 10, predicted to be out of frame resulting in nonsense mediated decay which was reflected in very low levels of patient HEXA RNA (Triggs-Raine_1991). The variant allele was found at a frequency of 4e-06 in 251478 control chromosomes. c.1074-7_1074-3delTCTCC has been observed in trans with a pathogenic null variant in 3 related individual(s) affected with classical Tay-Sachs Disease (Triggs-Raine_1991). These data indicate that the variant may be associated with disease. The following publications have been ascertained in the context of this evaluation (PMID: 10571007, 1833974, 10464605, 11596984, 9090523, 1301938). ClinVar contains an entry for this variant (Variation ID: 554039). Based on the evidence outlined above, the variant was classified as likely pathogenic.

Natera, Inc.
Classification: Likely pathogenic for Tay-Sachs disease. Last evaluated: 2025-05-27. Review status: criteria provided, single submitter. Criteria: Natera Variant Classification Schema (03/2026). Collection method: clinical testing. Allele origin: germline.
Comment: The c.1074-7_1074-3delTCTCC variant in HEXA is a frameshift variant predicted to shift the reading frame and introduce a stop codon. This variant is rare in the general population with a frequency below the threshold expected for the associated phenotype(s). This variant has been observed in one or more individuals affected with the associated recessive disease, as either homozygous or compound heterozygous with a second variant (PMID: 1833974). Additionally, this variant has been observed to segregate in affected family members (PMID: 1833974). Functional studies show that this variant may disrupt protein function (PMID: 1833974). Given the available evidence, this variant is classified as Likely Pathogenic.

Labcorp Genetics (formerly Invitae), Labcorp
Classification: Likely pathogenic for Tay-Sachs disease. Last evaluated: 2023-05-12. Review status: criteria provided, single submitter. Criteria: Invitae Variant Classification Sherloc (09022015). Collection method: clinical testing. Allele origin: germline.
Comment: Algorithms developed to predict the effect of sequence changes on RNA splicing suggest that this variant may disrupt the consensus splice site. This sequence change falls in intron 9 of the HEXA gene. It does not directly change the encoded amino acid sequence of the HEXA protein. This variant is present in population databases (rs759219683, gnomAD 0.0009%). This variant has been observed in individual(s) with Tay-Sachs disease (PMID: 1833974). In at least one individual the data is consistent with being in trans (on the opposite chromosome) from a pathogenic variant. It has also been observed to segregate with disease in related individuals. ClinVar contains an entry for this variant (Variation ID: 554039). In summary, the currently available evidence indicates that the variant is pathogenic, but additional data are needed to prove that conclusively. Therefore, this variant has been classified as Likely Pathogenic.

Counsyl
Classification: Uncertain significance for Tay-Sachs disease. Last evaluated: 2017-10-06. Review status: no assertion criteria provided. Collection method: clinical testing. Allele origin: unknown. Not counted in ClinVar's aggregate classification.

OMIM
Classification: Pathogenic for TAY-SACHS DISEASE. Last evaluated: 1991-11-01. Review status: no assertion criteria provided. Collection method: literature only. Allele origin: germline. Not counted in ClinVar's aggregate classification.

Literature cited by the submitters: PubMed 10571007 (cited by Women's Health and Genetics/Laboratory Corporation of America, LabCorp); PubMed 9090523 (cited by Women's Health and Genetics/Laboratory Corporation of America, LabCorp); PubMed 1833974 (cited by 5 submitters); PubMed 1301938 (cited by Women's Health and Genetics/Laboratory Corporation of America, LabCorp); PubMed 10464605 (cited by Women's Health and Genetics/Laboratory Corporation of America, LabCorp); PubMed 11596984 (cited by Women's Health and Genetics/Laboratory Corporation of America, LabCorp).